The following is an entry in ClinVar:

NM_000275.3(OCA2):c.2430del (p.Phe810fs)

Gene: OCA2 (OCA2 melanosomal transmembrane protein; minus strand). Cytogenetic location: 15q13.1.
Variant type: Deletion.
Coding change: c.2430del on transcript NM_000275.3 (MANE Select); coding-DNA position 2430, one base deleted (C; older notation c.2430delC).
Protein change: p.Phe810fs; shifts the reading frame from phenylalanine 810.
Molecular consequence: frameshift variant.
Genome position (GRCh38, 1-based): chr15:27,844,961, G deleted on the plus strand (C on the coding strand, the reverse complement: OCA2 is on the minus strand). VCF-style (leftmost placement, unchanged base first): chr15-27844960-TG-T. GRCh37 (hg19) VCF-style: chr15-28090106-TG-T.
Other names: c.2358del, p.Phe786fs (NM_001300984.2); short protein forms F786fs, F810fs.
Identifiers: ClinVar variation 3776100 (VCV003776100.1).

ClinVar aggregate classification (germline): Uncertain significance (1 of 4 stars; one submission).

Conditions:
Tyrosinase-positive oculocutaneous albinism (OCA2). Also called: ALBINISM II; Oculocutaneous albinism type 2; Albinism, oculocutaneous, type II. Identifiers: Orphanet 79432, MedGen C0268495, MONDO:0008746, OMIM 203200.

Submission:

3billion
Classification: Uncertain significance for Tyrosinase-positive oculocutaneous albinism. Last evaluated: 2023-07-17. Review status: criteria provided, single submitter. Criteria: ACMG Guidelines, 2015. Collection method: clinical testing. Allele origin: germline. Affected: yes.
Comment: The variant is not observed in the gnomAD v2.1.1 dataset. Predicted Consequence/Location: Frameshift: predicted to result in a loss or disruption of normal protein function through protein truncation. The predicted truncated protein may be shortened by less than 10%. The variant has been reported to be associated with OCA2 related disorder (3billion dataset). However, the evidence of pathogenicity is insufficient at this time. Therefore, this variant is classified as VUS according to the recommendation of ACMG/AMP guideline.